The following is an entry in ClinVar:

NM_201384.3(PLEC):c.11836C>T (p.Arg3946Trp)

Gene: PLEC (plectin; minus strand). Cytogenetic location: 8q24.3.
Variant type: single nucleotide variant.
Coding change: c.11836C>T on transcript NM_201384.3 (MANE Select); coding-DNA position 11836, C replaced by T.
Protein change: p.Arg3946Trp; replaces arginine 3946 with tryptophan.
Molecular consequence: missense variant.
Genome position (GRCh38, 1-based): chr8:143,917,985, G>A on the plus strand (C>T on the coding strand, the complement: PLEC is on the minus strand). VCF-style: chr8-143917985-G-A. GRCh37 (hg19) VCF-style: chr8-144992153-G-A.
Other names: c.11917C>T, p.Arg3973Trp (NM_000445.5); c.11794C>T, p.Arg3932Trp (NM_201378.4); c.11770C>T, p.Arg3924Trp (NM_201379.3); c.12247C>T, p.Arg4083Trp (NM_201380.4); c.11740C>T, p.Arg3914Trp (NM_201381.3); c.11836C>T, p.Arg3946Trp (NM_201382.4); c.11848C>T, p.Arg3950Trp (NM_201383.3); short protein forms R3914W, R3924W, R3932W, R3946W, R3950W, R3973W, R4083W.
Identifiers: ClinVar variation 196826 (VCV000196826.17), dbSNP rs782773454, ClinGen allele CA244334.

ClinVar aggregate classification (germline): Uncertain significance. Review status: criteria provided, multiple submitters, no conflicts (2 of 4 stars). 5 submissions from 5 submitters: Uncertain significance (5). Last evaluated 2026-05-23.

Conditions:
PLEC-related disorder. Also called: PLEC-related condition; PLEC-related disorders.
Epidermolysis bullosa simplex 5B, with muscular dystrophy (EBS5B). Also called: EPIDERMOLYSIS BULLOSA SIMPLEX AND LIMB-GIRDLE MUSCULAR DYSTROPHY; Epidermolysis bullosa simplex with muscular dystrophy. Identifiers: Orphanet 257, MedGen C2931072, MONDO:0009181, OMIM 226670.
Epidermolysis bullosa simplex, Ogna type (EBS5A). Also called: Pidermolysis bullosa simplex 5A, Ogna type; EPIDERMOLYSIS BULLOSA SIMPLEX 5A, OGNA TYPE. Identifiers: Orphanet 79401, MedGen C0432317, MONDO:0007555, OMIM 131950.
Autosomal recessive limb-girdle muscular dystrophy type 2Q (LGMDR17). Also called: MUSCULAR DYSTROPHY, LIMB-GIRDLE, AUTOSOMAL RECESSIVE 17. Identifiers: Orphanet 254361, MedGen C3150989, MONDO:0013390, OMIM 613723.
Epidermolysis bullosa simplex with nail dystrophy (EBS5D). Identifiers: MedGen C4225309, MONDO:0014661, OMIM 616487.
Epidermolysis bullosa simplex 5C, with pyloric atresia (EBS5C). Also called: PLEC-Related Epidermolysis Bullosa with Pyloric Atresia; Epidermolysis bullosa simplex with pyloric atresia; PLEC1-Related Epidermolysis Bullosa with Pyloric Atresia. Identifiers: Orphanet 158684, MedGen C2677349, MONDO:0012807, OMIM 612138.
Inborn genetic diseases. Identifiers: MedGen C0950123, MeSH D030342.

Allele frequency attached by ClinVar (database versions not stated): gnomAD 0.00003; TOPMed 0.00005; ExAC 0.00008; gnomAD exomes 0.00008 and 0.00013.
gnomAD v4.1: 200 of 1,612,418 alleles (0.012%); highest among the groups gnomAD compares: Middle Eastern, 0.016%; no homozygotes.

Submissions (5):

PreventionGenetics, part of Exact Sciences
Classification: Uncertain significance for PLEC-related condition. Last evaluated: 2026-05-23. Review status: criteria provided, single submitter. Criteria: ACMG Guidelines, 2015. Collection method: clinical testing. Allele origin: germline.
Comment: The PLEC c.11917C>T variant is predicted to result in the amino acid substitution p.Arg3973Trp. To our knowledge, this variant has not been reported in the literature. This variant is reported in 0.015% of alleles in individuals of European (Non-Finnish) descent in gnomAD. At this time, the clinical significance of this variant is uncertain due to the absence of conclusive functional and genetic evidence.

Labcorp Genetics (formerly Invitae), Labcorp
Classification: Uncertain significance for Autosomal recessive limb-girdle muscular dystrophy type 2Q; Epidermolysis bullosa simplex, Ogna type; Epidermolysis bullosa simplex with nail dystrophy; Epidermolysis bullosa simplex 5C, with pyloric atresia; Epidermolysis bullosa simplex 5B, with muscular dystrophy. Last evaluated: 2024-09-23. Review status: criteria provided, single submitter. Criteria: Invitae Variant Classification Sherloc (09022015). Collection method: clinical testing. Allele origin: germline.
Comment: This sequence change replaces arginine, which is basic and polar, with tryptophan, which is neutral and slightly polar, at codon 3973 of the PLEC protein (p.Arg3973Trp). This variant is present in population databases (rs782773454, gnomAD 0.01%). This variant has not been reported in the literature in individuals affected with PLEC-related conditions. ClinVar contains an entry for this variant (Variation ID: 196826). Invitae Evidence Modeling of protein sequence and biophysical properties (such as structural, functional, and spatial information, amino acid conservation, physicochemical variation, residue mobility, and thermodynamic stability) has been performed for this missense variant. However, the output from this modeling did not meet the statistical confidence thresholds required to predict the impact of this variant on PLEC protein function. In summary, the available evidence is currently insufficient to determine the role of this variant in disease. Therefore, it has been classified as a Variant of Uncertain Significance.

Revvity Omics, Revvity
Classification: Uncertain significance. Last evaluated: 2023-06-13. Review status: criteria provided, single submitter. Criteria: ACMG Guidelines, 2015. Collection method: clinical testing. Allele origin: germline.

Ambry Genetics
Classification: Uncertain significance for Inborn genetic diseases. Last evaluated: 2017-08-29. Review status: criteria provided, single submitter. Criteria: Ambry exome assertion method (8-5-2015). Collection method: clinical testing. Allele origin: germline. Affected: yes. Observed: 1 variant allele.

Eurofins Ntd Llc (ga)
Classification: Uncertain significance. Last evaluated: 2015-08-24. Review status: criteria provided, single submitter. Criteria: EGL Classification Definitions 2015. Collection method: clinical testing. Allele origin: germline. Observed: 2 variant alleles, 2 heterozygotes.